The following is an entry in ClinVar:

NM_032043.3(BRIP1):c.3689A>G (p.Glu1230Gly)

Gene: BRIP1 (BRCA1 interacting DNA helicase 1; minus strand). Cytogenetic location: 17q23.2.
Variant type: single nucleotide variant.
Coding change: c.3689A>G on transcript NM_032043.3 (MANE Select); coding-DNA position 3689, A replaced by G.
Protein change: p.Glu1230Gly; replaces glutamic acid 1230 with glycine.
Molecular consequence: missense variant.
Genome position (GRCh38, 1-based): chr17:61,683,357, T>C on the plus strand (A>G on the coding strand, the complement: BRIP1 is on the minus strand). VCF-style: chr17-61683357-T-C. GRCh37 (hg19) VCF-style: chr17-59760718-T-C.
Other names: short protein forms E1230G.
Identifiers: ClinVar variation 824071 (VCV000824071.5), dbSNP rs1603274697, ClinGen allele CA400477817.

ClinVar aggregate classification (germline): Uncertain significance. Review status: criteria provided, single submitter (1 of 4 stars). 2 submissions from 2 submitters: Uncertain significance (1). 1 of the submissions does not count toward it. Last evaluated 2020-08-11.

Conditions:
Hereditary cancer-predisposing syndrome. Also called: Neoplastic Syndromes, Hereditary; Tumor predisposition; Hereditary neoplastic syndrome; Hereditary Cancer Syndrome. Identifiers: Orphanet 140162, MedGen C0027672, MeSH D009386, MONDO:0015356.

Submissions (2):

Ambry Genetics
Classification: Uncertain significance for Hereditary cancer-predisposing syndrome. Last evaluated: 2020-08-11. Review status: criteria provided, single submitter. Criteria: Ambry Variant Classification Scheme 2023. Collection method: clinical testing. Allele origin: germline.
Comment: The p.E1230G variant (also known as c.3689A>G), located in coding exon 19 of the BRIP1 gene, results from an A to G substitution at nucleotide position 3689. The glutamic acid at codon 1230 is replaced by glycine, an amino acid with similar properties. This alteration has been reported in 0/7636 unselected prostate cancer patients and 1/12366 male controls of Japanese ancestry (Momozawa Y et al. J. Natl. Cancer Inst., 2020 Apr;112:369-376). This amino acid position is poorly conserved in available vertebrate species. In addition, this alteration is predicted to be tolerated by in silico analysis. Since supporting evidence is limited at this time, the clinical significance of this alteration remains unclear.

Leiden Open Variation Database
Classification: Uncertain significance. Last evaluated: 2019-08-13. Review status: no assertion criteria provided. Collection method: curation. Allele origin: germline. Affected: yes. Not counted in ClinVar's aggregate classification.
Comment: Curator: Arleen D. Auerbach. Submitter to LOVD: Yukihide Momozawa.

Literature cited by the submitters: PubMed 31214711 (cited by Ambry Genetics and Leiden Open Variation Database).